The following is an entry in ClinVar:

NC_000006.11:g.(?_129465026)_(129514018_?)del

Gene: LAMA2 (laminin subunit alpha 2; plus strand). Cytogenetic location: 6q22.33.
Variant type: Deletion.
Identifiers: ClinVar variation 1454952 (VCV001454952.5).

ClinVar aggregate classification (germline): Pathogenic (1 of 4 stars; one submission).

Conditions:
LAMA2-related muscular dystrophy (LAMA2-RD). Also called: Laminin alpha 2-related dystrophy. Identifiers: MedGen C5679788, MONDO:0100228.

Submission:

Labcorp Genetics (formerly Invitae), Labcorp
Classification: Pathogenic for LAMA2-related muscular dystrophy. Last evaluated: 2022-07-19. Review status: criteria provided, single submitter. Criteria: Invitae Variant Classification Sherloc (09022015). Collection method: clinical testing. Allele origin: germline.
Comment: This variant is a gross deletion of the genomic region encompassing exon(s) 5-12 of the LAMA2 gene. This variant would be expected to be in-frame, preserving the integrity of the reading frame. A similar copy number variant has been observed in individual(s) with congenital muscular dystrophy (PMID: 29465610). This variant disrupts a region of the LAMA2 protein in which other variant(s) (p.Cys527Tyr) have been determined to be pathogenic (PMID: 12552556, 23326386; Invitae). This suggests that this is a clinically significant region of the protein, and that variants that disrupt it are likely to be disease-causing. For these reasons, this variant has been classified as Pathogenic.

Literature cited by the submitters: PubMed 29465610; PubMed 12552556; PubMed 23326386.